The following is an entry in ClinVar:

NM_005228.5(EGFR):c.2496C>T (p.Arg832=)

Gene: EGFR (epidermal growth factor receptor; plus strand). Cytogenetic location: 7p11.2.
Variant type: single nucleotide variant.
Coding change: c.2496C>T on transcript NM_005228.5 (MANE Select); coding-DNA position 2496, C replaced by T.
Protein change: p.Arg832=; no amino-acid change (arginine 832 retained).
Molecular consequence: synonymous variant.
Genome position (GRCh38, 1-based): chr7:55,191,745, C>T. VCF-style: chr7-55191745-C-T. GRCh37 (hg19) VCF-style: chr7-55259438-C-T.
Other names: c.2361C>T, p.Arg787= (NM_001346897.2, NM_001346899.2); c.2496C>T, p.Arg832= (NM_001346898.2); c.2337C>T, p.Arg779= (NM_001346900.2); c.1695C>T, p.Arg565= (NM_001346941.2).
Identifiers: ClinVar variation 2657509 (VCV002657509.27), dbSNP rs2128964412, ClinGen allele CA454965588.
Genomic context (GRCh38, chr7:55,191,745, plus strand): 5'-TCTGTCCCTCACAGCAGGGTCTTCTCTGTTTCAGGGCATGAACTACTTGGAGGACCGTCG[C>T]TTGGTGCACCGCGACCTGGCAGCCAGGAACGTACTGGTGAAAACACCGCAGCATGTCAAG-3'
Protein context (NP_005219.2, residues 822-842): AKGMNYLEDR[Arg832=]LVHRDLAARN

ClinVar aggregate classification (germline): Likely benign. Review status: criteria provided, multiple submitters, no conflicts (2 of 4 stars). 3 submissions from 3 submitters: Likely benign (3). Last evaluated 2025-05-27.

Conditions:
Hereditary cancer-predisposing syndrome. Also called: Neoplastic Syndromes, Hereditary; Tumor predisposition; Hereditary Cancer Syndrome; Hereditary neoplastic syndrome. Identifiers: Orphanet 140162, MedGen C0027672, MeSH D009386, MONDO:0015356.
EGFR-related lung cancer (EGFR). Identifiers: MedGen CN130014.

Submissions (3):

Ambry Genetics
Classification: Likely benign for Hereditary cancer-predisposing syndrome. Last evaluated: 2025-05-27. Review status: criteria provided, single submitter. Criteria: Ambry Variant Classification Scheme 2023. Collection method: clinical testing. Allele origin: germline.

Labcorp Genetics (formerly Invitae), Labcorp
Classification: Likely benign for EGFR-related lung cancer. Last evaluated: 2023-07-06. Review status: criteria provided, single submitter. Criteria: Invitae Variant Classification Sherloc (09022015). Collection method: clinical testing. Allele origin: germline.

CeGaT Center for Human Genetics Tuebingen
Classification: Likely benign. Last evaluated: 2022-06-01. Review status: criteria provided, single submitter. Criteria: CeGaT Center For Human Genetics Tuebingen Variant Classification Criteria Version 2. Collection method: clinical testing. Allele origin: germline. Affected: yes. Observed: 1 variant allele.
Comment: EGFR: PM2:Supporting, BP4, BP7